The following is an entry in ClinVar:

NM_005120.3(MED12):c.4477G>A (p.Asp1493Asn)

Gene: MED12 (mediator complex subunit 12; plus strand). Cytogenetic location: Xq13.1.
Variant type: single nucleotide variant.
Coding change: c.4477G>A on transcript NM_005120.3 (MANE Select); coding-DNA position 4477, G replaced by A.
Protein change: p.Asp1493Asn; replaces aspartic acid 1493 with asparagine.
Molecular consequence: missense variant.
Genome position (GRCh38, 1-based): chrX:71,132,906, G>A. VCF-style: chrX-71132906-G-A. GRCh37 (hg19) VCF-style: chrX-70352756-G-A.
Other names: c.4477G>A (NM_005120.2); short protein forms D1493N.
Identifiers: ClinVar variation 3709885 (VCV003709885.3).

ClinVar aggregate classification (germline): Uncertain significance. Review status: criteria provided, multiple submitters, no conflicts (2 of 4 stars). 2 submissions from 2 submitters: Uncertain significance (2). Last evaluated 2026-08-10.

Conditions:
Familial thoracic aortic aneurysm and aortic dissection (TAAD). Also called: Thoracic aortic aneurysms and dissections. Identifiers: Orphanet 91387, MedGen C4707243, MONDO:0019625.
FG syndrome (FGS). Identifiers: MedGen C0220769, MONDO:0002010.

gnomAD v4.1: 2 of 1,187,619 alleles (0.00017%); highest among the groups gnomAD compares: African/African-American, 0.0035%; no homozygotes.

Submissions (2):

Ambry Genetics
Classification: Uncertain significance for Familial thoracic aortic aneurysm and aortic dissection. Last evaluated: 2026-08-10. Review status: criteria provided, single submitter. Criteria: Ambry Variant Classification Scheme 2023. Collection method: clinical testing. Allele origin: germline.
Comment: The p.D1493N variant (also known as c.4477G>A), located in coding exon 32 of the MED12 gene, results from a G to A substitution at nucleotide position 4477. The aspartic acid at codon 1493 is replaced by asparagine, an amino acid with highly similar properties. This amino acid position is conserved. In addition, this alteration is predicted to be tolerated by in silico analysis. Based on the available evidence, the clinical significance of this variant remains unclear.

Labcorp Genetics (formerly Invitae), Labcorp
Classification: Uncertain significance for FG syndrome. Last evaluated: 2024-07-21. Review status: criteria provided, single submitter. Criteria: Invitae Variant Classification Sherloc (09022015). Collection method: clinical testing. Allele origin: germline.
Comment: This sequence change replaces aspartic acid, which is acidic and polar, with asparagine, which is neutral and polar, at codon 1493 of the MED12 protein (p.Asp1493Asn). This variant is not present in population databases (gnomAD no frequency). This variant has not been reported in the literature in individuals affected with MED12-related conditions. Advanced modeling of protein sequence and biophysical properties (such as structural, functional, and spatial information, amino acid conservation, physicochemical variation, residue mobility, and thermodynamic stability) has been performed at Invitae for this missense variant, however the output from this modeling did not meet the statistical confidence thresholds required to predict the impact of this variant on MED12 protein function. In summary, the available evidence is currently insufficient to determine the role of this variant in disease. Therefore, it has been classified as a Variant of Uncertain Significance.